The following is an entry in ClinVar:

ClinVar aggregate classification (germline): Uncertain significance. Review status: criteria provided, multiple submitters, no conflicts (2 of 4 stars). 2 submissions from 2 submitters: Uncertain significance (2). Last evaluated 2025-02-21.

Conditions:
Spastic paraplegia. Identifiers: MedGen C0037772, HP:0001258.

Allele frequency attached by ClinVar (database versions not stated): ESP Exome Variant Server 0.00008; 1000 Genomes Project 0.00020; 1000 Genomes Project 30x 0.00031.
gnomAD v4.1: 69 of 1,612,582 alleles (0.0043%); highest among the groups gnomAD compares: East Asian, 0.02%; 1 homozygote.

Submissions (2):

Ambry Genetics
Classification: Uncertain significance. Last evaluated: 2025-02-21. Review status: criteria provided, single submitter. Criteria: Ambry Variant Classification Scheme 2023. Collection method: clinical testing. Allele origin: germline.

Labcorp Genetics (formerly Invitae), Labcorp
Classification: Uncertain significance for Spastic paraplegia. Last evaluated: 2023-07-07. Review status: criteria provided, single submitter. Criteria: Invitae Variant Classification Sherloc (09022015). Collection method: clinical testing. Allele origin: germline.
Comment: An algorithm developed to predict the effect of missense changes on protein structure and function (PolyPhen-2) suggests that this variant is likely to be tolerated. This sequence change replaces arginine, which is basic and polar, with histidine, which is basic and polar, at codon 459 of the ARSI protein (p.Arg459His). This variant is present in population databases (rs140478189, gnomAD 0.02%). This variant has not been reported in the literature in individuals affected with ARSI-related conditions. In summary, the available evidence is currently insufficient to determine the role of this variant in disease. Therefore, it has been classified as a Variant of Uncertain Significance.

NM_001012301.4(ARSI):c.1376G>A (p.Arg459His)

Gene: ARSI (arylsulfatase family member I; minus strand). Cytogenetic location: 5q32.
Variant type: single nucleotide variant.
Coding change: c.1376G>A on transcript NM_001012301.4 (MANE Select); coding-DNA position 1376, G replaced by A.
Protein change: p.Arg459His; replaces arginine 459 with histidine.
Molecular consequence: missense variant.
Genome position (GRCh38, 1-based): chr5:150,297,548, C>T on the plus strand (G>A on the coding strand, the complement: ARSI is on the minus strand). VCF-style: chr5-150297548-C-T. GRCh37 (hg19) VCF-style: chr5-149677111-C-T.
Other names: c.1376G>A (NM_001012301.2); short protein forms R459H.
Identifiers: ClinVar variation 2993841 (VCV002993841.4), dbSNP rs140478189, ClinGen allele CA3510095.